The following is an entry in ClinVar:

ClinVar aggregate classification (germline): Uncertain significance (1 of 4 stars; one submission).

Conditions:
Duchenne muscular dystrophy (DMD). Also called: MUSCULAR DYSTROPHY, PSEUDOHYPERTROPHIC PROGRESSIVE, DUCHENNE TYPE; Duchenne Muscular Dystrophy (DMD). Identifiers: Orphanet 98896, MedGen C0013264, MONDO:0010679, OMIM 310200.

Submission:

Labcorp Genetics (formerly Invitae), Labcorp
Classification: Uncertain significance for Duchenne muscular dystrophy. Last evaluated: 2025-09-02. Review status: criteria provided, single submitter. Criteria: Invitae Variant Classification Sherloc (09022015). Collection method: clinical testing. Allele origin: germline.
Comment: This sequence change replaces aspartic acid, which is acidic and polar, with glycine, which is neutral and non-polar, at codon 2426 of the DMD protein (p.Asp2426Gly). This variant is not present in population databases (gnomAD no frequency). This variant has not been reported in the literature in individuals affected with DMD-related conditions. ClinVar contains an entry for this variant (Variation ID: 2907489). Invitae Evidence Modeling of protein sequence and biophysical properties (such as structural, functional, and spatial information, amino acid conservation, physicochemical variation, residue mobility, and thermodynamic stability) indicates that this missense variant is not expected to disrupt DMD protein function with a negative predictive value of 95%. In summary, the available evidence is currently insufficient to determine the role of this variant in disease. Therefore, it has been classified as a Variant of Uncertain Significance.

NM_004006.3(DMD):c.7277A>G (p.Asp2426Gly)

Gene: DMD (dystrophin; minus strand). Cytogenetic location: Xp21.1.
Variant type: single nucleotide variant.
Coding change: c.7277A>G on transcript NM_004006.3 (MANE Select); coding-DNA position 7277, A replaced by G.
Protein change: p.Asp2426Gly; replaces aspartic acid 2426 with glycine.
Molecular consequence: missense variant. On other transcripts: 5 prime UTR variant (5).
Genome position (GRCh38, 1-based): chrX:31,820,007, T>C on the plus strand (A>G on the coding strand, the complement: DMD is on the minus strand). VCF-style: chrX-31820007-T-C. GRCh37 (hg19) VCF-style: chrX-31838124-T-C.
Other names: c.7253A>G, p.Asp2418Gly (NM_000109.4); c.7265A>G, p.Asp2422Gly (NM_004009.3); c.6908A>G, p.Asp2303Gly (NM_004010.3); c.3254A>G, p.Asp1085Gly (NM_004011.4); c.3245A>G, p.Asp1082Gly (NM_004012.4); c.-104A>G (NM_004013.3, NM_004020.4, NM_004021.3 and 2 more transcripts); short protein forms D2303G, D2422G, D2426G, D2418G, D1082G, D1085G.
Identifiers: ClinVar variation 2907489 (VCV002907489.3), dbSNP rs2531582142, ClinGen allele CA412658508.